The following is an entry in ClinVar:

ClinVar aggregate classification (germline): Uncertain significance (1 of 4 stars; one submission).

Conditions:
Hereditary hemorrhagic telangiectasia (HHT). Also called: ORW DISEASE; Osler Weber Rendu syndrome; OSLER-RENDU-WEBER DISEASE; Osler hemorrhagic telangiectasia syndrome. Identifiers: Orphanet 774, MedGen C0039445, MONDO:0019180. Disease mechanism: loss of function.

Submission:

Labcorp Genetics (formerly Invitae), Labcorp
Classification: Uncertain significance for Hereditary hemorrhagic telangiectasia. Last evaluated: 2023-12-08. Review status: criteria provided, single submitter. Criteria: Invitae Variant Classification Sherloc (09022015). Collection method: clinical testing. Allele origin: germline.
Comment: This sequence change falls in intron 9 of the ENG gene. It does not directly change the encoded amino acid sequence of the ENG protein. It affects a nucleotide within the consensus splice site. This variant is not present in population databases (gnomAD no frequency). This variant has not been reported in the literature in individuals affected with ENG-related conditions. Variants that disrupt the consensus splice site are a relatively common cause of aberrant splicing (PMID: 17576681, 9536098). Algorithms developed to predict the effect of sequence changes on RNA splicing suggest that this variant may disrupt the consensus splice site. In summary, the available evidence is currently insufficient to determine the role of this variant in disease. Therefore, it has been classified as a Variant of Uncertain Significance.

Literature cited by the submitters: PubMed 17576681; PubMed 9536098.

NM_001114753.3(ENG):c.1272+2dup

Genes: ENG (endoglin; minus strand), LOC102723566 (uncharacterized LOC102723566; plus strand). Cytogenetic location: 9q34.11.
Variant type: Duplication.
Coding change: c.1272+2dup on transcript NM_001114753.3 (MANE Select); the canonical splice donor site of the intron after coding-DNA position 1272, one base duplicated (T; older notation c.1272+2dupT).
Molecular consequence: splice donor variant.
Genome position (GRCh38, 1-based): chr9:127,819,898, A duplicated on the plus strand (T on the coding strand, the reverse complement: ENG is on the minus strand). VCF-style (leftmost placement, unchanged base first): chr9-127819897-T-TA. GRCh37 (hg19) VCF-style: chr9-130582176-T-TA.
Other names: c.1272+2dup (NM_000118.4); c.726+2dup (NM_001278138.2).
Identifiers: ClinVar variation 2723947 (VCV002723947.3), dbSNP rs2539063931, ClinGen allele CA2697558068.